The following is an entry in ClinVar:

NM_138576.4(BCL11B):c.1703A>G (p.Asn568Ser)

Gene: BCL11B (BCL11 transcription factor B; minus strand). Cytogenetic location: 14q32.2.
Variant type: single nucleotide variant.
Coding change: c.1703A>G on transcript NM_138576.4 (MANE Select); coding-DNA position 1703, A replaced by G.
Protein change: p.Asn568Ser; replaces asparagine 568 with serine.
Molecular consequence: missense variant.
Genome position (GRCh38, 1-based): chr14:99,175,133, T>C on the plus strand (A>G on the coding strand, the complement: BCL11B is on the minus strand). VCF-style: chr14-99175133-T-C. GRCh37 (hg19) VCF-style: chr14-99641470-T-C.
Other names: c.1700A>G, p.Asn567Ser (NM_001282237.2); c.1487A>G, p.Asn496Ser (NM_001282238.2); c.1490A>G, p.Asn497Ser (NM_022898.3); short protein forms N567S, N568S, N496S, N497S.
Identifiers: ClinVar variation 2860412 (VCV002860412.3), dbSNP rs2503643502, ClinGen allele CA390934776.

ClinVar aggregate classification (germline): Uncertain significance (1 of 4 stars; one submission).

Submission:

Labcorp Genetics (formerly Invitae), Labcorp
Classification: Uncertain significance. Last evaluated: 2024-11-11. Review status: criteria provided, single submitter. Criteria: Invitae Variant Classification Sherloc (09022015). Collection method: clinical testing. Allele origin: germline.
Comment: This sequence change replaces asparagine, which is neutral and polar, with serine, which is neutral and polar, at codon 568 of the BCL11B protein (p.Asn568Ser). This variant is not present in population databases (gnomAD no frequency). This variant has not been reported in the literature in individuals affected with BCL11B-related conditions. ClinVar contains an entry for this variant (Variation ID: 2860412). Invitae Evidence Modeling of protein sequence and biophysical properties (such as structural, functional, and spatial information, amino acid conservation, physicochemical variation, residue mobility, and thermodynamic stability) has been performed for this missense variant. However, the output from this modeling did not meet the statistical confidence thresholds required to predict the impact of this variant on BCL11B protein function. In summary, the available evidence is currently insufficient to determine the role of this variant in disease. Therefore, it has been classified as a Variant of Uncertain Significance.